The following is an entry in ClinVar:

NM_178862.3(STT3B):c.2320G>A (p.Ala774Thr)

Gene: STT3B (STT3 oligosaccharyltransferase complex catalytic subunit B; plus strand). Cytogenetic location: 3p23.
Variant type: single nucleotide variant.
Coding change: c.2320G>A on transcript NM_178862.3 (MANE Select); coding-DNA position 2320, G replaced by A.
Protein change: p.Ala774Thr; replaces alanine 774 with threonine.
Molecular consequence: missense variant.
Genome position (GRCh38, 1-based): chr3:31,633,067, G>A. VCF-style: chr3-31633067-G-A. GRCh37 (hg19) VCF-style: chr3-31674559-G-A.
Other names: short protein forms A774T.
Identifiers: ClinVar variation 2523788 (VCV002523788.3), dbSNP rs1048659729, ClinGen allele CA72523419.

ClinVar aggregate classification (germline): Uncertain significance. Review status: criteria provided, multiple submitters, no conflicts (2 of 4 stars). 2 submissions from 2 submitters: Uncertain significance (2). Last evaluated 2025-12-07.

Conditions:
STT3B-congenital disorder of glycosylation. Also called: STT3B-CDG; CDG Ix; Congenital disorder of glycosylation type 1x. Identifiers: Orphanet 370924, MedGen C2931007, MONDO:0014271, OMIM 615597.

Allele frequency attached by ClinVar (database versions not stated): gnomAD exomes 0.00001; gnomAD 0.00011; TOPMed 0.00011.
gnomAD v4.1: 30 of 1,613,982 alleles (0.0019%); highest among the groups gnomAD compares: African/African-American, 0.036%; no homozygotes.

Submissions (2):

Labcorp Genetics (formerly Invitae), Labcorp
Classification: Uncertain significance for STT3B-congenital disorder of glycosylation. Last evaluated: 2025-12-07. Review status: criteria provided, single submitter. Criteria: Invitae Variant Classification Sherloc (09022015). Collection method: clinical testing. Allele origin: germline.
Comment: This sequence change replaces alanine, which is neutral and non-polar, with threonine, which is neutral and polar, at codon 774 of the STT3B protein (p.Ala774Thr). This variant is present in population databases (no rsID available, gnomAD 0.02%). This variant has not been reported in the literature in individuals affected with STT3B-related conditions. ClinVar contains an entry for this variant (Variation ID: 2523788). An algorithm developed to predict the effect of missense changes on protein structure and function (PolyPhen-2) suggests that this variant is likely to be tolerated. In summary, the available evidence is currently insufficient to determine the role of this variant in disease. Therefore, it has been classified as a Variant of Uncertain Significance.

Ambry Genetics
Classification: Uncertain significance. Last evaluated: 2023-05-15. Review status: criteria provided, single submitter. Criteria: Ambry Variant Classification Scheme 2023. Collection method: clinical testing. Allele origin: germline.